The following is an entry in ClinVar:

ClinVar aggregate classification (germline): Uncertain significance (1 of 4 stars; one submission).

Conditions:
Hypokalemic periodic paralysis, type 1. Also called: HypoPP; Hypokalemic Periodic Paralysis Type 1 (AD). Identifiers: Orphanet 681, MedGen C3714580, MONDO:0042979, OMIM 170400.
Malignant hyperthermia, susceptibility to, 5 (MHS5). Also called: CACNA1S-Related Malignant Hyperthermia Susceptibility. Identifiers: Orphanet 423, MedGen C1866077, MONDO:0011163, OMIM 601887.

Allele frequency attached by ClinVar (database versions not stated): gnomAD exomes below 0.00001.
gnomAD v4.1: 3 of 1,614,190 alleles (0.00019%); highest among the groups gnomAD compares: Non-Finnish European, 0.00025%; no homozygotes.

Submission:

Labcorp Genetics (formerly Invitae), Labcorp
Classification: Uncertain significance for Hypokalemic periodic paralysis, type 1; Malignant hyperthermia, susceptibility to, 5. Last evaluated: 2022-10-17. Review status: criteria provided, single submitter. Criteria: Invitae Variant Classification Sherloc (09022015). Collection method: clinical testing. Allele origin: germline.
Comment: In summary, the available evidence is currently insufficient to determine the role of this variant in disease. Therefore, it has been classified as a Variant of Uncertain Significance. Advanced modeling of protein sequence and biophysical properties (such as structural, functional, and spatial information, amino acid conservation, physicochemical variation, residue mobility, and thermodynamic stability) performed at Invitae indicates that this missense variant is not expected to disrupt CACNA1S protein function. This variant has not been reported in the literature in individuals affected with CACNA1S-related conditions. This variant is not present in population databases (gnomAD no frequency). This sequence change replaces isoleucine, which is neutral and non-polar, with threonine, which is neutral and polar, at codon 1194 of the CACNA1S protein (p.Ile1194Thr).

NM_000069.3(CACNA1S):c.3581T>C (p.Ile1194Thr)

Gene: CACNA1S (calcium voltage-gated channel subunit alpha1 S; minus strand). Cytogenetic location: 1q32.1.
Variant type: single nucleotide variant.
Coding change: c.3581T>C on transcript NM_000069.3 (MANE Select); coding-DNA position 3581, T replaced by C.
Protein change: p.Ile1194Thr; replaces isoleucine 1194 with threonine.
Molecular consequence: missense variant.
Genome position (GRCh38, 1-based): chr1:201,058,436, A>G on the plus strand (T>C on the coding strand, the complement: CACNA1S is on the minus strand). VCF-style: chr1-201058436-A-G. GRCh37 (hg19) VCF-style: chr1-201027564-A-G.
Other names: short protein forms I1194T.
Identifiers: ClinVar variation 2166464 (VCV002166464.4), dbSNP rs2464486241, ClinGen allele CA344157431.
Genomic context (GRCh38, chr1:201,058,436, plus strand): 5'-CCTAGTGATGGCTCTGCCTGCCTGATACTCACGTCGATCTCACTGAGGATGACATCAATG[A>G]TGCTGCCAATGACAATCAGGAAGTCAAACACATTCCAGGGGTCTCCAAAGTAGCCCTGGG-3'
Protein context (NP_000060.2, residues 1184-1204): VFDFLIVIGS[Ile1194Thr]IDVILSEIDT